The following is an entry in ClinVar:

NM_000368.5(TSC1):c.1899_1900insTATCATCTCACACCAGTTAGAATGGCAATCATTAAAAAGTCAGGAAACAACAGGTGCTGGAGAGGATGCGGAGNNNNNNNNNNAAAAAAAAAAAAAAAAAAAAAAAGAAAGCAAAAGGA (p.Asn634fs)

Gene: TSC1 (TSC complex subunit 1; minus strand). Cytogenetic location: 9q34.13.
Variant type: Insertion.
Coding change: c.1899_1900insTATCATCTCACACCAGTTAGAATGGCAATCATTAAAAAGTCAGGAAACAACAGGTGCTGGAGAGGATGCGGAGNNNNNNNNNNAAAAAAAAAAAAAAAAAAAAAAAGAAAGCAAAAGGA on transcript NM_000368.5 (MANE Select); coding-DNA positions 1899 to 1900, TATCATCTCACACCAGTTAGAATGGCAATCATTAAAAAGTCAGGAAACAACAGGTGCTGGAGAGGATGCGGAGNNNNNNNNNNAAAAAAAAAAAAAAAAAAAAAAAGAAAGCAAAAGGA inserted.
Protein change: p.Asn634fs; shifts the reading frame from asparagine 634.
Molecular consequence: frameshift variant. On other transcripts: non-coding transcript variant (5).
Genome position: GRCh38: chr9:132,905,694-132,905,695. GRCh37 (hg19): chr9:135,781,081-135,781,082.
Other names: c.1896_1897insTATCATCTCACACCAGTTAGAATGGCAATCATTAAAAAGTCAGGAAACAACAGGTGCTGGAGAGGATGCGGAGNNNNNNNNNNAAAAAAAAAAAAAAAAAAAAAAAGAAAGCAAAAGGA, p.Asn633fs (NM_001162426.2, NM_001406597.1, NM_001406598.1 and 6 more transcripts); c.1746_1747insTATCATCTCACACCAGTTAGAATGGCAATCATTAAAAAGTCAGGAAACAACAGGTGCTGGAGAGGATGCGGAGNNNNNNNNNNAAAAAAAAAAAAAAAAAAAAAAAGAAAGCAAAAGGA, p.Asn583fs (NM_001162427.2, NM_001406610.1); c.1536_1537insTATCATCTCACACCAGTTAGAATGGCAATCATTAAAAAGTCAGGAAACAACAGGTGCTGGAGAGGATGCGGAGNNNNNNNNNNAAAAAAAAAAAAAAAAAAAAAAAGAAAGCAAAAGGA, p.Asn513fs (NM_001362177.2, NM_001406614.1, NM_001406615.1 and 5 more transcripts); c.1899_1900insTATCATCTCACACCAGTTAGAATGGCAATCATTAAAAAGTCAGGAAACAACAGGTGCTGGAGAGGATGCGGAGNNNNNNNNNNAAAAAAAAAAAAAAAAAAAAAAAGAAAGCAAAAGGA, p.Asn634fs (NM_001406592.1, NM_001406593.1, NM_001406594.1 and 7 more transcripts); c.1743_1744insTATCATCTCACACCAGTTAGAATGGCAATCATTAAAAAGTCAGGAAACAACAGGTGCTGGAGAGGATGCGGAGNNNNNNNNNNAAAAAAAAAAAAAAAAAAAAAAAGAAAGCAAAAGGA, p.Asn582fs (NM_001406611.1, NM_001406612.1, NM_001406613.1); c.1533_1534insTATCATCTCACACCAGTTAGAATGGCAATCATTAAAAAGTCAGGAAACAACAGGTGCTGGAGAGGATGCGGAGNNNNNNNNNNAAAAAAAAAAAAAAAAAAAAAAAGAAAGCAAAAGGA, p.Asn512fs (NM_001406620.1, NM_001406621.1, NM_001406622.1 and 2 more transcripts); c.948_949insTATCATCTCACACCAGTTAGAATGGCAATCATTAAAAAGTCAGGAAACAACAGGTGCTGGAGAGGATGCGGAGNNNNNNNNNNAAAAAAAAAAAAAAAAAAAAAAAGAAAGCAAAAGGA, p.Asn317fs (NM_001406626.1); c.945_946insTATCATCTCACACCAGTTAGAATGGCAATCATTAAAAAGTCAGGAAACAACAGGTGCTGGAGAGGATGCGGAGNNNNNNNNNNAAAAAAAAAAAAAAAAAAAAAAAGAAAGCAAAAGGA, p.Asn316fs (NM_001406627.1, NM_001406628.1); and 1 more; short protein forms N316fs, N513fs, N582fs, N633fs, N283fs, N317fs, N512fs, N583fs.
Identifiers: ClinVar variation 2706186 (VCV002706186.3), dbSNP rs2538706532.

ClinVar aggregate classification (germline): Pathogenic (1 of 4 stars; one submission).

Conditions:
Tuberous sclerosis 1 (TSC1). Identifiers: Orphanet 805, MedGen C1854465, MONDO:0008612, OMIM 191100.

Submission:

Labcorp Genetics (formerly Invitae), Labcorp
Classification: Pathogenic for Tuberous sclerosis 1. Last evaluated: 2023-12-28. Review status: criteria provided, single submitter. Criteria: Invitae Variant Classification Sherloc (09022015). Collection method: clinical testing. Allele origin: germline.
Comment: This sequence change inserts a large fragment of DNA, likely a transposable element, in exon 15 of the TSC1 gene (c.1899_1900ins?), causing a frameshift at codon 634 (p.Asn634fs). The exact size and sequence of the insertion cannot be determined by the current assay. However, the insertion is expected to result in an absent or disrupted protein product. This variant is not present in population databases (gnomAD no frequency). This variant has not been reported in the literature in individuals affected with TSC1-related conditions. Retrotransposon insertions including LINE1 (L1), Alu, and SVA (SINE-VNTR-Alu) have been reported to be disease-causing through disruption of either a coding region or splice site (PMID: 19763152, 20307669, 22406018) and loss-of-function variants in TSC1 are known to be pathogenic (PMID: 10227394, 17304050). For these reasons, this variant has been classified as Pathogenic.

Literature cited by the submitters: PubMed 19763152; PubMed 20307669; PubMed 22406018; PubMed 10227394; PubMed 17304050.